The following is an entry in ClinVar:

ClinVar aggregate classification (germline): Likely benign. Review status: criteria provided, multiple submitters, no conflicts (2 of 4 stars). 2 submissions from 2 submitters: Likely benign (2). Last evaluated 2026-02-12.

Conditions:
USP53-related disorder. Also called: USP53-related condition.

gnomAD v4.1: 486 of 1,614,108 alleles (0.03%); highest among the groups gnomAD compares: East Asian, 1.1%; 7 homozygotes.

Submissions (2):

PreventionGenetics, part of Exact Sciences
Classification: Likely benign for USP53-related condition. Last evaluated: 2026-02-12. Review status: criteria provided, single submitter. Criteria: ACMG Guidelines, 2015. Collection method: clinical testing. Allele origin: germline.
Comment: This variant is classified as likely benign based on ACMG/AMP sequence variant interpretation guidelines (Richards et al. 2015 PMID: 25741868, with internal and published modifications).

Blueprint Genetics
Classification: Likely benign. Last evaluated: 2024-07-12. Review status: criteria provided, single submitter. Criteria: ACMG Guidelines, 2015. Collection method: clinical testing. Allele origin: germline.

NM_001371395.1(USP53):c.2683C>T (p.Leu895=)

Gene: USP53 (ubiquitin specific peptidase 53; plus strand). Cytogenetic location: 4q26.
Variant type: single nucleotide variant.
Coding change: c.2683C>T on transcript NM_001371395.1 (MANE Select); coding-DNA position 2683, C replaced by T.
Protein change: p.Leu895=; no amino-acid change (leucine 895 retained).
Molecular consequence: synonymous variant. On other transcripts: 3 prime UTR variant (4).
Genome position (GRCh38, 1-based): chr4:119,292,672, C>T. VCF-style: chr4-119292672-C-T. GRCh37 (hg19) VCF-style: chr4-120213827-C-T.
Other names: c.2530C>T, p.Leu844= (NM_001371396.1, NM_001389661.1); c.*183C>T (NM_001371397.1, NM_001371398.1, NM_001389666.1 and 1 more transcripts); c.2683C>T, p.Leu895= (NM_001371399.1, NM_001389658.1, NM_001389659.1 and 1 more transcripts); c.2533C>T, p.Leu845= (NM_001389660.1); c.2335C>T, p.Leu779= (NM_001389662.1, NM_001389663.1, NM_001389664.1); c.2182C>T, p.Leu728= (NM_001389665.1); c.2683C>T (NM_019050.2).
Identifiers: ClinVar variation 4968358 (VCV004968358.2).